The following is an entry in ClinVar:

ClinVar aggregate classification (germline): Uncertain significance (1 of 4 stars; one submission).

Conditions:
CDK13-related disorder. Also called: CDK13-related condition. Identifiers: MedGen C5816700.

Submission:

PreventionGenetics, part of Exact Sciences
Classification: Uncertain significance for CDK13-related condition. Last evaluated: 2024-12-11. Review status: criteria provided, single submitter. Criteria: ACMG Guidelines, 2015. Collection method: clinical testing. Allele origin: germline.
Comment: The CDK13 c.2147A>G variant is predicted to result in the amino acid substitution p.Tyr716Cys. This variant has been reported as a de novo variant in an individual with a neurodevelopmental disorder (Trinh et al. 2019. PubMed ID: 31238879). This variant has not been reported in a large population database (gnomAD), indicating this variant is rare. Although we suspect that this variant may be pathogenic, at this time, the clinical significance of this variant is uncertain due to the absence of conclusive functional and genetic evidence.

NM_003718.5(CDK13):c.2147A>G (p.Tyr716Cys)

Gene: CDK13 (cyclin dependent kinase 13; plus strand). Cytogenetic location: 7p14.1.
Variant type: single nucleotide variant.
Coding change: c.2147A>G on transcript NM_003718.5 (MANE Select); coding-DNA position 2147, A replaced by G.
Protein change: p.Tyr716Cys; replaces tyrosine 716 with cysteine.
Molecular consequence: missense variant.
Genome position (GRCh38, 1-based): chr7:39,999,465, A>G. VCF-style: chr7-39999465-A-G. GRCh37 (hg19) VCF-style: chr7-40039064-A-G.
Other names: c.2147A>G, p.Tyr716Cys (NM_031267.4); short protein forms Y716C.
Identifiers: ClinVar variation 5002304 (VCV005002304.1).